The following is an entry in ClinVar:

NM_173854.6(SLC41A1):c.269C>T (p.Pro90Leu)

Gene: SLC41A1 (solute carrier family 41 member 1; minus strand). Cytogenetic location: 1q32.1.
Variant type: single nucleotide variant.
Coding change: c.269C>T on transcript NM_173854.6 (MANE Select); coding-DNA position 269, C replaced by T.
Protein change: p.Pro90Leu; replaces proline 90 with leucine.
Molecular consequence: missense variant.
Genome position (GRCh38, 1-based): chr1:205,810,173, G>A on the plus strand (C>T on the coding strand, the complement: SLC41A1 is on the minus strand). VCF-style: chr1-205810173-G-A. GRCh37 (hg19) VCF-style: chr1-205779301-G-A.
Other names: c.269C>T (NM_173854.4); short protein forms P90L.
Identifiers: ClinVar variation 1956101 (VCV001956101.7), dbSNP rs745697767, ClinGen allele CA1357443.

ClinVar aggregate classification (germline): Uncertain significance. Review status: criteria provided, multiple submitters, no conflicts (2 of 4 stars). 2 submissions from 2 submitters: Uncertain significance (2). Last evaluated 2023-06-07.

Allele frequency attached by ClinVar (database versions not stated): ExAC 0.00001; gnomAD 0.00001; gnomAD exomes 0.00002; TOPMed 0.00002.

Submissions (2):

Ambry Genetics
Classification: Uncertain significance. Last evaluated: 2023-06-07. Review status: criteria provided, single submitter. Criteria: Ambry Variant Classification Scheme 2023. Collection method: clinical testing. Allele origin: germline.

Labcorp Genetics (formerly Invitae), Labcorp
Classification: Uncertain significance. Last evaluated: 2022-05-03. Review status: criteria provided, single submitter. Criteria: Invitae Variant Classification Sherloc (09022015). Collection method: clinical testing. Allele origin: germline.
Comment: This sequence change replaces proline, which is neutral and non-polar, with leucine, which is neutral and non-polar, at codon 90 of the SLC41A1 protein (p.Pro90Leu). This variant is present in population databases (rs745697767, gnomAD 0.01%). This variant has not been reported in the literature in individuals affected with SLC41A1-related conditions. Algorithms developed to predict the effect of missense changes on protein structure and function (SIFT, PolyPhen-2, Align-GVGD) all suggest that this variant is likely to be tolerated. In summary, the available evidence is currently insufficient to determine the role of this variant in disease. Therefore, it has been classified as a Variant of Uncertain Significance.